The following is an entry in ClinVar:

NM_002578.5(PAK3):c.1327G>T (p.Val443Phe)

Gene: PAK3 (p21 (RAC1) activated kinase 3; plus strand). Cytogenetic location: Xq23.
Variant type: single nucleotide variant.
Coding change: c.1327G>T on transcript NM_002578.5 (MANE Select); coding-DNA position 1327, G replaced by T.
Protein change: p.Val443Phe; replaces valine 443 with phenylalanine.
Molecular consequence: missense variant. On other transcripts: non-coding transcript variant (2).
Genome position (GRCh38, 1-based): chrX:111,196,560, G>T. VCF-style: chrX-111196560-G-T. GRCh37 (hg19) VCF-style: chrX-110439788-G-T.
Other names: c.1327G>T, p.Val443Phe (NM_001128166.3, NM_001128167.3, NM_001324325.2 and 5 more transcripts); c.1435G>T, p.Val479Phe (NM_001128168.3); c.1390G>T, p.Val464Phe (NM_001128172.2); c.1372G>T, p.Val458Phe (NM_001128173.3, NM_001324327.2, NM_001324328.2 and 2 more transcripts); short protein forms V443F, V458F, V464F, V479F.
Identifiers: ClinVar variation 3391468 (VCV003391468.1).

ClinVar aggregate classification (germline): Uncertain significance (1 of 4 stars; one submission).

Submission:

GeneDx
Classification: Uncertain significance. Last evaluated: 2024-06-23. Review status: criteria provided, single submitter. Criteria: GeneDx Variant Classification Process June 2021. Collection method: clinical testing. Allele origin: germline. Affected: yes.
Comment: Not observed at significant frequency in large population cohorts (gnomAD); In silico analysis supports that this missense variant has a deleterious effect on protein structure/function; Has not been previously published as pathogenic or benign to our knowledge